The following is an entry in ClinVar:

NC_000014.8:g.(?_66975246)_(66975329_?)del

Gene: GPHN (gephyrin; plus strand). Cytogenetic location: 14q23.3.
Variant type: Deletion.
Identifiers: ClinVar variation 3243984 (VCV003243984.1).

ClinVar aggregate classification (germline): Pathogenic (1 of 4 stars; one submission).

Conditions:
Sulfite oxidase deficiency due to molybdenum cofactor deficiency type C. Also called: Molybdenum cofactor deficiency, complementation group C; Molybdenum cofactor deficiency C. Identifiers: Orphanet 308400, Orphanet 833, MedGen C1854990, MONDO:0014212, OMIM 615501.

Submission:

Labcorp Genetics (formerly Invitae), Labcorp
Classification: Pathogenic for Sulfite oxidase deficiency due to molybdenum cofactor deficiency type C. Last evaluated: 2024-01-02. Review status: criteria provided, single submitter. Criteria: Invitae Variant Classification Sherloc (09022015). Collection method: clinical testing. Allele origin: unknown.
Comment: This variant is a gross deletion of the genomic region encompassing exon(s) 1 of the GPHN gene, which includes the initiator codon. This deletion extends beyond the assayed region for this gene and therefore may encompass additional genes. It is expected to result in an absent or disrupted protein product. Loss-of-function variants in GPHN are known to be pathogenic (PMID: 11095995, 23184456, 23393157, 24561070, 26613940). This variant has not been reported in the literature in individuals affected with GPHN-related conditions. For these reasons, this variant has been classified as Pathogenic.

Literature cited by the submitters: PubMed 11095995; PubMed 23184456; PubMed 23393157; PubMed 24561070; PubMed 26613940.